The following is an entry in ClinVar:

ClinVar aggregate classification (germline): Conflicting classifications of pathogenicity. Review status: criteria provided, conflicting classifications (1 of 4 stars). 5 submissions from 5 submitters: Uncertain significance (4); Likely benign (1). Last evaluated 2025-08-29.

Conditions:
Long QT syndrome (LQTS). Identifiers: MedGen C0023976, MeSH D008133, MONDO:0002442. Disease mechanism: loss of function. Inheritance: Various modes of inheritance.
Cardiovascular phenotype. Identifiers: MedGen CN230736.
Sudden cardiac arrest. Identifiers: MedGen C1720824, MONDO:0100511, MONDO:0007264.

Allele frequency attached by ClinVar (database versions not stated): ExAC 0.00001; TOPMed 0.00008; ESP Exome Variant Server 0.00015; gnomAD exomes 0.00002 and 0.00003; gnomAD 0.00004.
gnomAD v4.1: 37 of 1,614,008 alleles (0.0023%); highest among the groups gnomAD compares: Admixed American, 0.012%; no homozygotes.

Submissions (5):

Labcorp Genetics (formerly Invitae), Labcorp
Classification: Uncertain significance for Long QT syndrome. Last evaluated: 2025-08-29. Review status: criteria provided, single submitter. Criteria: Invitae Variant Classification Sherloc (09022015). Collection method: clinical testing. Allele origin: germline.
Comment: This sequence change replaces aspartic acid, which is acidic and polar, with glycine, which is neutral and non-polar, at codon 3039 of the ANK2 protein (p.Asp3039Gly). This variant is present in population databases (rs140539843, gnomAD 0.007%). This variant has not been reported in the literature in individuals affected with ANK2-related conditions. ClinVar contains an entry for this variant (Variation ID: 662181). An algorithm developed to predict the effect of missense changes on protein structure and function (PolyPhen-2) suggests that this variant is likely to be disruptive. In summary, the available evidence is currently insufficient to determine the role of this variant in disease. Therefore, it has been classified as a Variant of Uncertain Significance.

CeGaT Center for Human Genetics Tuebingen
Classification: Uncertain significance. Last evaluated: 2025-05-01. Review status: criteria provided, single submitter. Criteria: CeGaT Center For Human Genetics Tuebingen Variant Classification Criteria Version 2. Collection method: clinical testing. Allele origin: germline. Affected: yes. Observed: 2 variant alleles.

Ambry Genetics
Classification: Likely benign for Cardiovascular phenotype. Last evaluated: 2024-01-04. Review status: criteria provided, single submitter. Criteria: Ambry Variant Classification Scheme 2023. Collection method: clinical testing. Allele origin: germline.

New York Genome Center
Classification: Uncertain significance. Last evaluated: 2020-04-14. Review status: criteria provided, single submitter. Criteria: NYGC Assertion Criteria 2020. Collection method: clinical testing. Allele origin: germline. Observed: 1 heterozygote. Study: CSER-NYCKidSeq.

Center for Advanced Laboratory Medicine, UC San Diego Health, University of California San Diego
Classification: Uncertain significance for Sudden cardiac arrest. Last evaluated: 2019-03-15. Review status: criteria provided, single submitter. Criteria: ACMG Guidelines, 2015. Collection method: clinical testing. Allele origin: germline. Affected: yes. Observed: 1 variant allele.

NM_001148.6(ANK2):c.9116A>G (p.Asp3039Gly)

Gene: ANK2 (ankyrin 2; plus strand). Cytogenetic location: 4q26.
Variant type: single nucleotide variant.
Coding change: c.9116A>G on transcript NM_001148.6 (MANE Select); coding-DNA position 9116, A replaced by G.
Protein change: p.Asp3039Gly; replaces aspartic acid 3039 with glycine.
Molecular consequence: missense variant. On other transcripts: intron variant (68).
Genome position (GRCh38, 1-based): chr4:113,357,734, A>G. VCF-style: chr4-113357734-A-G. GRCh37 (hg19) VCF-style: chr4-114278890-A-G.
Other names: c.8882A>G, p.Asp2961Gly (NM_001386142.1); c.5516A>G, p.Asp1839Gly (NM_001386166.1); c.9257A>G, p.Asp3086Gly (NM_001386174.1); c.9233A>G, p.Asp3078Gly (NM_001386175.1); c.4412-3089A>G (NM_001386186.2, NM_001386148.2); c.4214-3089A>G (NM_001354269.3); c.4292-3089A>G (NM_001386187.2); c.4253-3089A>G (NM_001386147.1); and 35 more; short protein forms D3039G, D1839G, D2961G, D3078G, D3086G.
Identifiers: ClinVar variation 662181 (VCV000662181.17), dbSNP rs140539843, ClinGen allele CA3051873.